The following is an entry in ClinVar:

NM_000400.4(ERCC2):c.1291C>A (p.Pro431Thr)

Gene: ERCC2 (ERCC excision repair 2, TFIIH core complex helicase subunit; minus strand). Cytogenetic location: 19q13.32.
Variant type: single nucleotide variant.
Coding change: c.1291C>A on transcript NM_000400.4 (MANE Select); coding-DNA position 1291, C replaced by A.
Protein change: p.Pro431Thr; replaces proline 431 with threonine.
Molecular consequence: missense variant.
Genome position (GRCh38, 1-based): chr19:45,357,646, G>T on the plus strand (C>A on the coding strand, the complement: ERCC2 is on the minus strand). VCF-style: chr19-45357646-G-T. GRCh37 (hg19) VCF-style: chr19-45860904-G-T.
Other names: short protein forms P431T.
Identifiers: ClinVar variation 2566705 (VCV002566705.2), dbSNP rs2514013925, ClinGen allele CA406367975.
Genomic context (GRCh38, chr19:45,357,646, plus strand): 5'-CCCGACCCACAGAGCATTCACACCCTCACCGGGCAGGGTCCCACCTGAAGTGCAGGATGG[G>T]GTTGGCAATGGTCGGGGTTCTGTCGTCAAAGGGCTCGATGATGATGGTGAAGCCTGCAGA-3'
Protein context (NP_000391.1, residues 421-441): FDDRTPTIAN[Pro431Thr]ILHFSCMDAS

ClinVar aggregate classification (germline): Uncertain significance (1 of 4 stars; one submission).

Conditions:
Inborn genetic diseases. Identifiers: MedGen C0950123, MeSH D030342.

Allele frequency attached by ClinVar (database versions not stated): gnomAD exomes below 0.00001.

Submission:

Ambry Genetics
Classification: Uncertain significance for Inborn genetic diseases. Last evaluated: 2023-05-28. Review status: criteria provided, single submitter. Criteria: Ambry Variant Classification Scheme 2023. Collection method: clinical testing. Allele origin: germline.
Comment: The p.P431T variant (also known as c.1291C>A), located in coding exon 13 of the ERCC2 gene, results from a C to A substitution at nucleotide position 1291. The proline at codon 431 is replaced by threonine, an amino acid with highly similar properties. This amino acid position is conserved. In addition, this alteration is predicted to be deleterious by in silico analysis. Since supporting evidence is limited at this time, the clinical significance of this alteration remains unclear.